The following is an entry in ClinVar:

ClinVar aggregate classification (germline): Uncertain significance (1 of 4 stars; one submission).

Submission:

Labcorp Genetics (formerly Invitae), Labcorp
Classification: Uncertain significance. Last evaluated: 2022-06-20. Review status: criteria provided, single submitter. Criteria: Invitae Variant Classification Sherloc (09022015). Collection method: clinical testing. Allele origin: germline.
Comment: This sequence change falls in intron 10 of the C2 gene. It does not directly change the encoded amino acid sequence of the C2 protein. It affects a nucleotide within the consensus splice site. This variant is not present in population databases (gnomAD no frequency). This variant has not been reported in the literature in individuals affected with C2-related conditions. Variants that disrupt the consensus splice site are a relatively common cause of aberrant splicing (PMID: 17576681, 9536098). Algorithms developed to predict the effect of sequence changes on RNA splicing suggest that this variant is not likely to affect RNA splicing. In summary, the available evidence is currently insufficient to determine the role of this variant in disease. Therefore, it has been classified as a Variant of Uncertain Significance.

Literature cited by the submitters: PubMed 17576681; PubMed 9536098.

NM_000063.6(C2):c.1360+3G>A

Gene: C2 (complement C2; plus strand). Cytogenetic location: 6p21.33.
Variant type: single nucleotide variant.
Coding change: c.1360+3G>A on transcript NM_000063.6 (MANE Select); 3 bases into the intron after coding-DNA position 1360, G replaced by A.
Molecular consequence: intron variant.
Genome position (GRCh38, 1-based): chr6:31,943,102, G>A. VCF-style: chr6-31943102-G-A. GRCh37 (hg19) VCF-style: chr6-31910879-G-A.
Other names: c.622+3G>A (NM_001282457.2); c.718+3G>A (NM_001178063.3); c.1273+3G>A (NM_001282458.2); c.964+3G>A (NM_001145903.3).
Identifiers: ClinVar variation 1465239 (VCV001465239.3), dbSNP rs2151770456, ClinGen allele CA2573140247.